The following is an entry in ClinVar:

ClinVar aggregate classification (germline): Likely pathogenic (1 of 4 stars; one submission).

Conditions:
Hereditary spherocytosis type 1. Also called: Spherocytosis type 1; ANK1-Related Spherocytosis. Identifiers: Orphanet 822, MedGen C2674218, MONDO:0008447, OMIM 182900.

Submission:

Molecular Genetics Department, Kulakov National Medical Research Center for Obstetrics, Gynecology and Perinatology
Classification: Likely pathogenic for Hereditary spherocytosis type 1. Review status: criteria provided, single submitter. Criteria: ACMG Guidelines, 2015. Collection method: clinical testing. Allele origin: germline. Affected: yes. Observed: 1 variant allele.
Comment: A previously undescribed heterozygous nucleotide variant creates a frameshift p.Glu1005AspfsTer5 in the ANK1 gene. Heterozygous variants are reported in patients with spherocytosis, type 1, 182900. The variant is not present in population database (gnomAD no frequency). In summary, the currently available evidence indicates that the variant is pathogenic, but additional data are needed to prove that conclusively. Therefore, this variant has been classified as likely pathogenic.

NM_000037.4(ANK1):c.3015del (p.Glu1005fs)

Gene: ANK1 (ankyrin 1; minus strand). Cytogenetic location: 8p11.21.
Variant type: Deletion.
Coding change: c.3015del on transcript NM_000037.4 (MANE Select); coding-DNA position 3015, one base deleted (G; older notation c.3015delG).
Protein change: p.Glu1005fs; shifts the reading frame from glutamic acid 1005.
Molecular consequence: frameshift variant.
Genome position (GRCh38, 1-based): chr8:41,695,277, C deleted on the plus strand (G on the coding strand, the reverse complement: ANK1 is on the minus strand). VCF-style (leftmost placement, unchanged base first): chr8-41695276-GC-G. GRCh37 (hg19) VCF-style: chr8-41552794-GC-G.
Other names: c.3138del, p.Glu1046fs (NM_001142446.2); c.3015del, p.Glu1005fs (NM_020475.3, NM_020476.3, NM_020477.3); short protein forms E1005fs, E1046fs.
Identifiers: ClinVar variation 4294450 (VCV004294450.1).
Genomic context (GRCh38, chr8:41,695,276, plus strand): 5'-CTCCATAGCGGCTCCTGTGCTCCTTCCACACGGAGCCGTTTTCGCTCCTCAGAACCACGA[GC>G]TCGCGGTCTCCACGGCCATGGGAGGCAAAGTGCGGGATCTCCACGATTACAGGGCTGAGG-3'